The following is an entry in ClinVar:

NM_001035.3(RYR2):c.1293-14A>T

Gene: RYR2 (ryanodine receptor 2; plus strand). Cytogenetic location: 1q43.
Variant type: single nucleotide variant.
Coding change: c.1293-14A>T on transcript NM_001035.3 (MANE Select); 14 bases into the intron before coding-DNA position 1293, A replaced by T.
Molecular consequence: intron variant.
Genome position (GRCh38, 1-based): chr1:237,454,377, A>T. VCF-style: chr1-237454377-A-T. GRCh37 (hg19) VCF-style: chr1-237617677-A-T.
Identifiers: ClinVar variation 918416 (VCV000918416.7), dbSNP rs752527636, ClinGen allele CA085269.
Genomic context (GRCh38, chr1:237,454,377, plus strand): 5'-AAATCATCTATAAATGGAAAAATGATAAAATTGTGAATCACTGACAATAGAGAAATGTTT[A>T]TGGTTTATTTTAGGGGCCTTGATGCTCTCAGCAAGAAAGCGAAGGCTTCCACAGTCGATT-3'

ClinVar aggregate classification (germline): Likely benign. Review status: criteria provided, multiple submitters, no conflicts (2 of 4 stars). 4 submissions from 4 submitters: Likely benign (4). Last evaluated 2025-07-27.

Conditions:
Catecholaminergic polymorphic ventricular tachycardia 1. Also called: RYR2-Related Catecholaminergic Polymorphic Ventricular Tachycardia; VENTRICULAR TACHYCARDIA, STRESS-INDUCED POLYMORPHIC 1; VENTRICULAR TACHYCARDIA, CATECHOLAMINERGIC POLYMORPHIC, 1, WITH OR WITHOUT ATRIAL DYSFUNCTION AND/OR DILATED CARDIOMYOPATHY. Identifiers: Orphanet 3286, MedGen C1631597, MONDO:0011484, OMIM 604772.
Catecholaminergic polymorphic ventricular tachycardia (CVPT). Also called: Catecholamine-induced polymorphic ventricular tachycardia. Identifiers: Orphanet 3286, MedGen C5574922, MONDO:0017990.
Cardiomyopathy (CMYO). Also called: Cardiomyopathies. Identifiers: Orphanet 167848, MedGen C0878544, MONDO:0004994, HP:0001638. Inheritance: Various modes of inheritance.

Allele frequency attached by ClinVar (database versions not stated): TOPMed 0.00001.
gnomAD v4.1: 5 of 1,580,566 alleles (0.00032%); highest among the groups gnomAD compares: African/African-American, 0.0014%; no homozygotes.

Submissions (4):

Labcorp Genetics (formerly Invitae), Labcorp
Classification: Likely benign for Catecholaminergic polymorphic ventricular tachycardia 1. Last evaluated: 2025-07-27. Review status: criteria provided, single submitter. Criteria: Invitae Variant Classification Sherloc (09022015). Collection method: clinical testing. Allele origin: germline.

Blueprint Genetics
Classification: Likely benign. Last evaluated: 2023-09-22. Review status: criteria provided, single submitter. Criteria: ACMG Guidelines, 2015. Collection method: clinical testing. Allele origin: germline.

All of Us Research Program, National Institutes of Health
Classification: Likely benign for Catecholaminergic polymorphic ventricular tachycardia. Last evaluated: 2023-08-23. Review status: criteria provided, single submitter. Criteria: ACMG Guidelines, 2015. Collection method: clinical testing. Allele origin: germline. Inheritance: Autosomal dominant inheritance. Observed: 1 variant allele, 1 heterozygote.
Comment: This study involves interpretation of variants in research participants for the purpose of population health screening. Participant phenotype was not available at the time of variant classification. Additional details can be found in publication PMID: 35346344, PMCID: PMC8962531

Color Diagnostics, LLC DBA Color Health
Classification: Likely benign for Cardiomyopathy. Last evaluated: 2019-07-19. Review status: criteria provided, single submitter. Criteria: ACMG Guidelines, 2015. Collection method: clinical testing. Allele origin: germline.